The following is an entry in ClinVar:

ClinVar aggregate classification (germline): Uncertain significance (1 of 4 stars; one submission).

Conditions:
Primary ciliary dyskinesia. Also called: Ciliary dyskinesia. Identifiers: Orphanet 244, MedGen C0008780, MONDO:0016575, HP:0012265.

Allele frequency attached by ClinVar (database versions not stated): gnomAD 0.00001; gnomAD exomes 0.00001; TOPMed 0.00001.
gnomAD v4.1: 4 of 1,612,664 alleles (0.00025%); highest among the groups gnomAD compares: East Asian, 0.0022%; no homozygotes.

Submission:

Labcorp Genetics (formerly Invitae), Labcorp
Classification: Uncertain significance for Primary ciliary dyskinesia. Last evaluated: 2023-10-13. Review status: criteria provided, single submitter. Criteria: Invitae Variant Classification Sherloc (09022015). Collection method: clinical testing. Allele origin: germline.
Comment: This sequence change replaces arginine, which is basic and polar, with glutamine, which is neutral and polar, at codon 107 of the DNAH8 protein (p.Arg107Gln). This variant is present in population databases (no rsID available, gnomAD 0.007%). This variant has not been reported in the literature in individuals affected with DNAH8-related conditions. ClinVar contains an entry for this variant (Variation ID: 1525642). Experimental studies and prediction algorithms are not available or were not evaluated, and the functional significance of this variant is currently unknown. In summary, the available evidence is currently insufficient to determine the role of this variant in disease. Therefore, it has been classified as a Variant of Uncertain Significance.

NM_001206927.2(DNAH8):c.320G>A (p.Arg107Gln)

Genes: DNAH8 (dynein axonemal heavy chain 8; plus strand), LOC126859667 (BRD4-independent group 4 enhancer GRCh37_chr6:38690326-38691525; plus strand). Cytogenetic location: 6p21.2.
Variant type: single nucleotide variant.
Coding change: c.320G>A on transcript NM_001206927.2 (MANE Select); coding-DNA position 320, G replaced by A.
Protein change: p.Arg107Gln; replaces arginine 107 with glutamine.
Molecular consequence: missense variant. On other transcripts: 5 prime UTR variant (1).
Genome position (GRCh38, 1-based): chr6:38,723,129, G>A. VCF-style: chr6-38723129-G-A. GRCh37 (hg19) VCF-style: chr6-38690905-G-A.
Other names: c.-247G>A (NM_001371.4); short protein forms R107Q.
Identifiers: ClinVar variation 1525642 (VCV001525642.8), dbSNP rs765307487, ClinGen allele CA363984870.